The following is an entry in ClinVar:

NM_004380.3(CREBBP):c.3370-2A>G

Gene: CREBBP (CREB binding lysine acetyltransferase; minus strand). Cytogenetic location: 16p13.3.
Variant type: single nucleotide variant.
Coding change: c.3370-2A>G on transcript NM_004380.3 (MANE Select); the canonical splice acceptor site of the intron before coding-DNA position 3370, A replaced by G.
Molecular consequence: splice acceptor variant.
Genome position (GRCh38, 1-based): chr16:3,758,050, T>C on the plus strand (A>G on the coding strand, the complement: CREBBP is on the minus strand). VCF-style: chr16-3758050-T-C. GRCh37 (hg19) VCF-style: chr16-3808051-T-C.
Other names: c.3256-2A>G (NM_001079846.1).
Identifiers: ClinVar variation 1333271 (VCV001333271.1), dbSNP rs866703165, ClinGen allele CA276997994.

ClinVar aggregate classification (germline): Likely pathogenic (1 of 4 stars; one submission).

Conditions:
Rubinstein-Taybi syndrome due to CREBBP mutations (RSTS1). Also called: BROAD THUMB-HALLUX SYNDROME; RUBINSTEIN-TAYBI SYNDROME 1, INCOMPLETE; Rubinstein-Taybi syndrome 1; BROAD THUMBS AND GREAT TOES, CHARACTERISTIC FACIES, AND IMPAIRED INTELLECTUAL DEVELOPMENT; RUBINSTEIN SYNDROME; CREBBP-Related Rubinstein-Taybi Syndrome. Identifiers: Orphanet 353277, Orphanet 783, MedGen C4551859, MONDO:0008393, OMIM 180849.

Submission:

3billion
Classification: Likely pathogenic for Rubinstein-Taybi syndrome due to CREBBP mutations. Last evaluated: 2022-01-03. Review status: criteria provided, single submitter. Criteria: ACMG Guidelines, 2015. Collection method: clinical testing. Allele origin: germline. Affected: yes. Observed: 1 heterozygote.
Comment: Canonical splice site: predicted to alter splicing and result in a loss or disruption of normal protein function through protein truncation. Multiple pathogenic variants are reported in the predicted truncated region (PVS1_VS). It is not observed in the gnomAD v2.1.1 dataset (PM2_M). Therefore, this variant is classified as likely pathogenic according to the recommendation of ACMG/AMP guideline.